The following is an entry in ClinVar:

NM_032043.3(BRIP1):c.3015T>C (p.Phe1005=)

Gene: BRIP1 (BRCA1 interacting DNA helicase 1; minus strand). Cytogenetic location: 17q23.2.
Variant type: single nucleotide variant.
Coding change: c.3015T>C on transcript NM_032043.3 (MANE Select); coding-DNA position 3015, T replaced by C.
Protein change: p.Phe1005=; no amino-acid change (phenylalanine 1005 retained).
Molecular consequence: synonymous variant.
Genome position (GRCh38, 1-based): chr17:61,684,031, A>G on the plus strand (T>C on the coding strand, the complement: BRIP1 is on the minus strand). VCF-style: chr17-61684031-A-G. GRCh37 (hg19) VCF-style: chr17-59761392-A-G.
Identifiers: ClinVar variation 2929345 (VCV002929345.5), dbSNP rs2061323275, ClinGen allele CA501335550.

ClinVar aggregate classification (germline): Benign/Likely benign. Review status: criteria provided, multiple submitters, no conflicts (2 of 4 stars). 3 submissions from 3 submitters: Benign (1); Likely benign (2). Last evaluated 2026-02-24.

Conditions:
Hereditary cancer-predisposing syndrome. Also called: Tumor predisposition; Neoplastic Syndromes, Hereditary; Hereditary Cancer Syndrome; Hereditary neoplastic syndrome. Identifiers: Orphanet 140162, MedGen C0027672, MeSH D009386, MONDO:0015356.
Familial cancer of breast. Also called: BREAST CANCER, FAMILIAL; Hereditary breast cancer; hereditary breast carcinoma. Identifiers: Orphanet 227535, MedGen C0346153, MONDO:0016419, OMIM 114480. Disease mechanism: loss of function.
Fanconi anemia complementation group J. Also called: BRIP1-Related Fanconi Anemia. Identifiers: Orphanet 84, MedGen C1836860, MONDO:0012187, OMIM 609054.

Allele frequency attached by ClinVar (database versions not stated): TOPMed below 0.00001.

Submissions (3):

Ambry Genetics
Classification: Likely benign for Hereditary cancer-predisposing syndrome. Last evaluated: 2026-02-24. Review status: criteria provided, single submitter. Criteria: Ambry Variant Classification Scheme 2023. Collection method: clinical testing. Allele origin: germline.

Myriad Genetics, Inc.
Classification: Benign for Familial cancer of breast. Last evaluated: 2024-09-09. Review status: criteria provided, single submitter. Criteria: Myriad Autosomal Dominant, Autosomal Recessive and X-Linked Classification Criteria (2023). Collection method: clinical testing. Allele origin: unknown.
Comment: This variant is considered benign. This variant is a silent/synonymous amino acid change and it is not expected to impact splicing.

Labcorp Genetics (formerly Invitae), Labcorp
Classification: Likely benign for Familial cancer of breast; Fanconi anemia complementation group J. Last evaluated: 2023-03-22. Review status: criteria provided, single submitter. Criteria: Invitae Variant Classification Sherloc (09022015). Collection method: clinical testing. Allele origin: germline.